The following is an entry in ClinVar:

NM_024675.4(PALB2):c.3332C>T (p.Pro1111Leu)

Gene: PALB2 (partner and localizer of BRCA2; minus strand). Cytogenetic location: 16p12.2.
Variant type: single nucleotide variant.
Coding change: c.3332C>T on transcript NM_024675.4 (MANE Select); coding-DNA position 3332, C replaced by T.
Protein change: p.Pro1111Leu; replaces proline 1111 with leucine.
Molecular consequence: missense variant.
Genome position (GRCh38, 1-based): chr16:23,607,882, G>A on the plus strand (C>T on the coding strand, the complement: PALB2 is on the minus strand). VCF-style: chr16-23607882-G-A. GRCh37 (hg19) VCF-style: chr16-23619203-G-A.
Other names: short protein forms P1111L.
Identifiers: ClinVar variation 665824 (VCV000665824.18), dbSNP rs772480747, ClinGen allele CA7963383.

ClinVar aggregate classification (germline): Uncertain significance. Review status: criteria provided, multiple submitters, no conflicts (2 of 4 stars). 6 submissions from 6 submitters: Uncertain significance (5). 1 of the submissions does not count toward it. Last evaluated 2025-03-04.

Conditions:
Hereditary cancer-predisposing syndrome. Also called: Neoplastic Syndromes, Hereditary; Hereditary neoplastic syndrome; Tumor predisposition; Hereditary Cancer Syndrome. Identifiers: Orphanet 140162, MedGen C0027672, MeSH D009386, MONDO:0015356.
Pancreatic cancer, susceptibility to, 3. Identifiers: Orphanet 1333, MedGen C3150547, MONDO:0013236, OMIM 613348.
Fanconi anemia complementation group N. Also called: PALB2-Related Fanconi Anemia. Identifiers: Orphanet 84, MedGen C1835817, MONDO:0012565, OMIM 610832. Disease mechanism: loss of function.
Breast-ovarian cancer, familial, susceptibility to, 5 (BROVCA5). Identifiers: MedGen C5830615, MONDO:0957530, OMIM 620442.
Familial cancer of breast. Also called: Hereditary breast cancer; BREAST CANCER, FAMILIAL; hereditary breast carcinoma. Identifiers: Orphanet 227535, MedGen C0346153, MONDO:0016419, OMIM 114480. Disease mechanism: loss of function.

Allele frequency attached by ClinVar (database versions not stated): gnomAD exomes below 0.00001 and 0.00001; ExAC 0.00001.
gnomAD v4.1: 9 of 1,614,008 alleles (0.00056%); highest among the groups gnomAD compares: South Asian, 0.0099%; no homozygotes.

Submissions (6):

Center for Genomic Medicine, Rigshospitalet, Copenhagen University Hospital
Classification: Uncertain significance. Last evaluated: 2025-03-04. Review status: criteria provided, single submitter. Criteria: ACMG Guidelines, 2015. Collection method: clinical testing. Allele origin: germline.

Ambry Genetics
Classification: Uncertain significance for Hereditary cancer-predisposing syndrome. Last evaluated: 2024-05-30. Review status: criteria provided, single submitter. Criteria: Ambry Variant Classification Scheme 2023. Collection method: clinical testing. Allele origin: germline.
Comment: The p.P1111L variant (also known as c.3332C>T), located in coding exon 12 of the PALB2 gene, results from a C to T substitution at nucleotide position 3332. The proline at codon 1111 is replaced by leucine, an amino acid with similar properties. This amino acid position is highly conserved in available vertebrate species. In addition, the in silico prediction for this alteration is inconclusive. Based on the available evidence, the clinical significance of this variant remains unclear.

Revvity Omics, Revvity
Classification: Uncertain significance. Last evaluated: 2023-06-15. Review status: criteria provided, single submitter. Criteria: ACMG Guidelines, 2015. Collection method: clinical testing. Allele origin: germline.

Department of Pathology and Laboratory Medicine, Sinai Health System
Classification: Uncertain significance for Fanconi anemia complementation group N; Pancreatic cancer, susceptibility to, 3; Breast-ovarian cancer, familial, susceptibility to, 5. Last evaluated: 2021-07-08. Review status: criteria provided, single submitter. Criteria: ACMG Guidelines, 2015. Collection method: clinical testing. Allele origin: germline. Affected: yes.

Labcorp Genetics (formerly Invitae), Labcorp
Classification: Uncertain significance for Familial cancer of breast. Last evaluated: 2018-11-07. Review status: criteria provided, single submitter. Criteria: Invitae Variant Classification Sherloc (09022015). Collection method: clinical testing. Allele origin: germline.
Comment: In summary, the available evidence is currently insufficient to determine the role of this variant in disease. Therefore, it has been classified as a Variant of Uncertain Significance. Algorithms developed to predict the effect of missense changes on protein structure and function are either unavailable or do not agree on the potential impact of this missense change (SIFT: "Deleterious"; PolyPhen-2: "Possibly Damaging"; Align-GVGD: "Class C0"). This variant has not been reported in the literature in individuals with PALB2-related disease. This variant is present in population databases (rs772480747, ExAC 0.006%). This sequence change replaces proline with leucine at codon 1111 of the PALB2 protein (p.Pro1111Leu). The proline residue is highly conserved and there is a moderate physicochemical difference between proline and leucine.

Leiden Open Variation Database
Classification: Uncertain significance. Last evaluated: 2018-10-10. Review status: no assertion criteria provided. Collection method: curation. Allele origin: germline. Affected: yes. Not counted in ClinVar's aggregate classification.
Comment: Curators: Marc Tischkowitz, Arleen D. Auerbach. Submitter to LOVD: Yukihide Momozawa.

Literature cited by the submitters: PubMed 30287823 (cited by 3 submitters).